The following is an entry in ClinVar:

NM_001204375.2(NPR3):c.1464C>T (p.Val488=)

Gene: NPR3 (natriuretic peptide receptor 3; plus strand). Cytogenetic location: 5p13.3.
Variant type: single nucleotide variant.
Coding change: c.1464C>T on transcript NM_001204375.2 (MANE Select); coding-DNA position 1464, C replaced by T.
Protein change: p.Val488=; no amino-acid change (valine 488 retained).
Molecular consequence: synonymous variant.
Genome position (GRCh38, 1-based): chr5:32,784,833, C>T. VCF-style: chr5-32784833-C-T. GRCh37 (hg19) VCF-style: chr5-32784939-C-T.
Other names: c.1464C>T (NM_001204375.1); c.1461C>T, p.Val487= (NM_000908.4); c.813C>T, p.Val271= (NM_001204376.2); c.816C>T, p.Val272= (NM_001363652.2); c.744C>T, p.Val248= (NM_001364458.2); c.693C>T, p.Val231= (NM_001364460.2).
Identifiers: ClinVar variation 786051 (VCV000786051.12), dbSNP rs116641029, ClinGen allele CA3222680.

ClinVar aggregate classification (germline): Benign/Likely benign. Review status: criteria provided, multiple submitters, no conflicts (2 of 4 stars). 3 submissions from 3 submitters: Benign (1); Likely benign (1). 1 of the submissions does not count toward it. Last evaluated 2026-01-08.

Conditions:
NPR3-related disorder. Also called: NPR3-related condition.

Allele frequency attached by ClinVar (database versions not stated): gnomAD exomes 0.00051 and 0.00127; ExAC 0.00154; ESP Exome Variant Server 0.00467; gnomAD 0.00508 and 0.00536; TOPMed 0.00526; 1000 Genomes Project 30x 0.00562; 1000 Genomes Project 0.00579.
gnomAD v4.1: 1,555 of 1,613,700 alleles (0.096%); highest among the groups gnomAD compares: African/African-American, 1.8%; 11 homozygotes.

Submissions (3):

Labcorp Genetics (formerly Invitae), Labcorp
Classification: Benign. Last evaluated: 2026-01-08. Review status: criteria provided, single submitter. Criteria: Invitae Variant Classification Sherloc (09022015). Collection method: clinical testing. Allele origin: germline.

Blueprint Genetics
Classification: Likely benign. Last evaluated: 2024-09-06. Review status: criteria provided, single submitter. Criteria: ACMG Guidelines, 2015. Collection method: clinical testing. Allele origin: germline.

PreventionGenetics, part of Exact Sciences
Classification: Benign for NPR3-related condition. Last evaluated: 2019-03-18. Review status: no assertion criteria provided. Collection method: clinical testing. Allele origin: germline. Not counted in ClinVar's aggregate classification.
Comment: This variant is classified as benign based on ACMG/AMP sequence variant interpretation guidelines (Richards et al. 2015 PMID: 25741868, with internal and published modifications).